The following is an entry in ClinVar:

ClinVar aggregate classification (germline): Uncertain significance. Review status: criteria provided, multiple submitters, no conflicts (2 of 4 stars). 2 submissions from 2 submitters: Uncertain significance (2). Last evaluated 2025-11-13.

Conditions:
Hereditary cancer-predisposing syndrome. Also called: Hereditary neoplastic syndrome; Tumor predisposition; Neoplastic Syndromes, Hereditary; Hereditary Cancer Syndrome. Identifiers: Orphanet 140162, MedGen C0027672, MeSH D009386, MONDO:0015356.
Microcephaly, normal intelligence and immunodeficiency (NBS). Also called: Immunodeficiency, microcephaly with normal intelligence; Nijmegen breakage syndrome; Ataxia telangiectasia variant V1; SEEMANOVA SYNDROME II; BERLIN BREAKAGE SYNDROME; IMMUNODEFICIENCY, MICROCEPHALY, AND CHROMOSOMAL INSTABILITY. Identifiers: Orphanet 647, MedGen C0398791, MONDO:0009623, OMIM 251260.

Allele frequency attached by ClinVar (database versions not stated): TOPMed below 0.00001; gnomAD 0.00001.

Submissions (2):

Ambry Genetics
Classification: Uncertain significance for Hereditary cancer-predisposing syndrome. Last evaluated: 2025-11-13. Review status: criteria provided, single submitter. Criteria: Ambry Variant Classification Scheme 2023. Collection method: clinical testing. Allele origin: germline.
Comment: The p.D399N variant (also known as c.1195G>A), located in coding exon 10 of the NBN gene, results from a G to A substitution at nucleotide position 1195. The aspartic acid at codon 399 is replaced by asparagine, an amino acid with highly similar properties. This amino acid position is poorly conserved in available vertebrate species. In addition, this alteration is predicted to be tolerated by in silico analysis. Since supporting evidence is limited at this time, the clinical significance of this alteration remains unclear.

Labcorp Genetics (formerly Invitae), Labcorp
Classification: Uncertain significance for Microcephaly, normal intelligence and immunodeficiency. Last evaluated: 2023-10-03. Review status: criteria provided, single submitter. Criteria: Invitae Variant Classification Sherloc (09022015). Collection method: clinical testing. Allele origin: germline.
Comment: This sequence change replaces aspartic acid, which is acidic and polar, with asparagine, which is neutral and polar, at codon 399 of the NBN protein (p.Asp399Asn). This variant is not present in population databases (gnomAD no frequency). This variant has not been reported in the literature in individuals affected with NBN-related conditions. ClinVar contains an entry for this variant (Variation ID: 957868). An algorithm developed to predict the effect of missense changes on protein structure and function (PolyPhen-2) suggests that this variant is likely to be tolerated. In summary, the available evidence is currently insufficient to determine the role of this variant in disease. Therefore, it has been classified as a Variant of Uncertain Significance.

NM_002485.5(NBN):c.1195G>A (p.Asp399Asn)

Gene: NBN (nibrin; minus strand). Cytogenetic location: 8q21.3.
Variant type: single nucleotide variant.
Coding change: c.1195G>A on transcript NM_002485.5 (MANE Select); coding-DNA position 1195, G replaced by A.
Protein change: p.Asp399Asn; replaces aspartic acid 399 with asparagine.
Molecular consequence: missense variant.
Genome position (GRCh38, 1-based): chr8:89,955,485, C>T on the plus strand (G>A on the coding strand, the complement: NBN is on the minus strand). VCF-style: chr8-89955485-C-T. GRCh37 (hg19) VCF-style: chr8-90967713-C-T.
Other names: c.949G>A, p.Asp317Asn (NM_001024688.3); short protein forms D317N, D399N.
Identifiers: ClinVar variation 957868 (VCV000957868.12), dbSNP rs1430248021, ClinGen allele CA371656383.